The following is an entry in ClinVar:

NM_000064.4(C3):c.256G>A (p.Val86Ile)

Gene: C3 (complement C3; minus strand). Cytogenetic location: 19p13.3.
Variant type: single nucleotide variant.
Coding change: c.256G>A on transcript NM_000064.4 (MANE Select); coding-DNA position 256, G replaced by A.
Protein change: p.Val86Ile; replaces valine 86 with isoleucine.
Molecular consequence: missense variant.
Genome position (GRCh38, 1-based): chr19:6,719,222, C>T on the plus strand (G>A on the coding strand, the complement: C3 is on the minus strand). VCF-style: chr19-6719222-C-T. GRCh37 (hg19) VCF-style: chr19-6719233-C-T.
Other names: short protein forms V86I.
Identifiers: ClinVar variation 4280263 (VCV004280263.1).

ClinVar aggregate classification (germline): Uncertain significance (1 of 4 stars; one submission).

Conditions:
C3 glomerulonephritis. Also called: C3 GLOMERULOPATHY 3; Nephropathy due to CFHR5 Deficiency. Identifiers: Orphanet 329931, MedGen C4055342, MONDO:0013892, OMIM 614809.

Submission:

Genomenon, Inc
Classification: Uncertain significance for C3 glomerulonephritis. Last evaluated: 2025-09-30. Review status: criteria provided, single submitter. Criteria: Genomenon Sequence Variant Interpretation Standards. Collection method: curation. Allele origin: germline. Affected: yes.
Comment: C3 p.Val86Ile (c.256G>A) is a missense variant that changes the amino acid at residue 86 from Valine to Isoleucine. This variant has been observed in at least one proband affected with C3 glomerulonephritis (PMID:26895476). It is absent or not present at a significant frequency in gnomAD. In silico models agree that this variant is not damaging. In conclusion, we classify C3 p.Val86Ile (c.256G>A) as a variant of unknown significance.

Literature cited by the submitters: PubMed 26895476.